The following is an entry in ClinVar:

ClinVar aggregate classification (germline): Uncertain significance (1 of 4 stars; one submission).

Conditions:
Inborn genetic diseases. Identifiers: MedGen C0950123, MeSH D030342.

Allele frequency attached by ClinVar (database versions not stated): gnomAD exomes 0.00001; ExAC 0.00002; gnomAD 0.00004; TOPMed 0.00005; 1000 Genomes Project 30x 0.00031; 1000 Genomes Project 0.00040.
gnomAD v4.1: 15 of 1,610,380 alleles (0.00093%); highest among the groups gnomAD compares: African/African-American, 0.019%; no homozygotes.

Submission:

Ambry Genetics
Classification: Uncertain significance for Inborn genetic diseases. Last evaluated: 2021-01-11. Review status: criteria provided, single submitter. Criteria: Ambry Variant Classification Scheme 2023. Collection method: clinical testing. Allele origin: germline.
Comment: The c.3830G>A (p.G1277E) alteration is located in exon 24 (coding exon 23) of the KIF14 gene. This alteration results from a G to A substitution at nucleotide position 3830, causing the glycine (G) at amino acid position 1277 to be replaced by a glutamic acid (E). The p.G1277E alteration is predicted to be tolerated by in silico analysis. Based on insufficient or conflicting evidence, the clinical significance of this alteration remains unclear.

NM_014875.3(KIF14):c.3830G>A (p.Gly1277Glu)

Gene: KIF14 (kinesin family member 14; minus strand). Cytogenetic location: 1q32.1.
Variant type: single nucleotide variant.
Coding change: c.3830G>A on transcript NM_014875.3 (MANE Select); coding-DNA position 3830, G replaced by A.
Protein change: p.Gly1277Glu; replaces glycine 1277 with glutamic acid.
Molecular consequence: missense variant.
Genome position (GRCh38, 1-based): chr1:200,565,501, C>T on the plus strand (G>A on the coding strand, the complement: KIF14 is on the minus strand). VCF-style: chr1-200565501-C-T. GRCh37 (hg19) VCF-style: chr1-200534629-C-T.
Other names: c.2357G>A, p.Gly786Glu (NM_001305792.1); short protein forms G1277E, G786E.
Identifiers: ClinVar variation 2383461 (VCV002383461.2), dbSNP rs537998091, ClinGen allele CA1317147.